The following is an entry in ClinVar:

ClinVar aggregate classification (germline): Uncertain significance (1 of 4 stars; one submission).

Conditions:
Early-infantile DEE. Also called: Early infantile epileptic encephalopathy with suppression bursts; Ohtahara syndrome; Early infantile epileptic encephalopathy. Identifiers: Orphanet 1934, MedGen C0393706, MONDO:0800491.

Submission:

Labcorp Genetics (formerly Invitae), Labcorp
Classification: Uncertain significance for Early-infantile DEE. Last evaluated: 2022-02-05. Review status: criteria provided, single submitter. Criteria: Invitae Variant Classification Sherloc (09022015). Collection method: clinical testing. Allele origin: germline.
Comment: In summary, the available evidence is currently insufficient to determine the role of this variant in disease. Therefore, it has been classified as a Variant of Uncertain Significance. Algorithms developed to predict the effect of missense changes on protein structure and function are either unavailable or do not agree on the potential impact of this missense change (SIFT: "Deleterious"; PolyPhen-2: "Benign"; Align-GVGD: "Class C0"). This variant has not been reported in the literature in individuals affected with SCN8A-related conditions. This variant is not present in population databases (gnomAD no frequency). This sequence change replaces phenylalanine, which is neutral and non-polar, with leucine, which is neutral and non-polar, at codon 1769 of the SCN8A protein (p.Phe1769Leu).

NM_001330260.2(SCN8A):c.5305T>C (p.Phe1769Leu)

Gene: SCN8A (sodium voltage-gated channel alpha subunit 8; plus strand). Cytogenetic location: 12q13.13.
Variant type: single nucleotide variant.
Coding change: c.5305T>C on transcript NM_001330260.2 (MANE Select); coding-DNA position 5305, T replaced by C.
Protein change: p.Phe1769Leu; replaces phenylalanine 1769 with leucine.
Molecular consequence: missense variant.
Genome position (GRCh38, 1-based): chr12:51,806,791, T>C. VCF-style: chr12-51806791-T-C. GRCh37 (hg19) VCF-style: chr12-52200575-T-C.
Other names: c.5182T>C, p.Phe1728Leu (NM_001177984.3, NM_001369788.1); c.5305T>C, p.Phe1769Leu (NM_014191.4); short protein forms F1728L, F1769L.
Identifiers: ClinVar variation 1358713 (VCV001358713.9), dbSNP rs2138943375, ClinGen allele CA384885235.